The following is an entry in ClinVar:

NM_000083.3(CLCN1):c.847C>T (p.Leu283Phe)

Gene: CLCN1 (chloride voltage-gated channel 1; plus strand). Cytogenetic location: 7q34.
Variant type: single nucleotide variant.
Coding change: c.847C>T on transcript NM_000083.3 (MANE Select); coding-DNA position 847, C replaced by T.
Protein change: p.Leu283Phe; replaces leucine 283 with phenylalanine.
Molecular consequence: missense variant. On other transcripts: non-coding transcript variant (1).
Genome position (GRCh38, 1-based): chr7:143,324,486, C>T. VCF-style: chr7-143324486-C-T. GRCh37 (hg19) VCF-style: chr7-143021579-C-T.
Other names: short protein forms L283F.
Identifiers: ClinVar variation 1347742 (VCV001347742.7), dbSNP rs80356688, ClinGen allele CA341553.

ClinVar aggregate classification (germline): Conflicting classifications of pathogenicity. Review status: criteria provided, conflicting classifications (1 of 4 stars). 3 submissions from 3 submitters: Likely pathogenic (2); Uncertain significance (1). Last evaluated 2026-07-28.

Conditions:
Congenital myotonia, autosomal recessive form. Also called: myotonia congenita, autosomal recessive; BECKER DISEASE; Becker Generalized Myotonia. Identifiers: Orphanet 614, MedGen C0751360, MONDO:0009715, OMIM 255700.
Congenital myotonia, autosomal dominant form (THD). Also called: THOMSEN DISEASE; Myotonia congenita autosomal dominant. Identifiers: Orphanet 614, MedGen C2936781, MONDO:0008055, OMIM 160800.

Submissions (3):

Institute of Human Genetics, University of Leipzig Medical Center
Classification: Uncertain significance for Congenital myotonia, autosomal recessive form. Last evaluated: 2026-07-28. Review status: criteria provided, single submitter. Criteria: ACMG Guidelines, 2015. Collection method: clinical testing. Allele origin: unknown. Inheritance: Autosomal recessive inheritance. Affected: yes.
Comment: Criteria applied: PM2,PS4_SUP,PP3; Identified as compund heterozygous with NM_000083.3:c.2680C>T

GeneDx
Classification: Likely pathogenic. Last evaluated: 2026-03-31. Review status: criteria provided, single submitter. Criteria: GeneDx Variant Classification Process June 2021. Collection method: clinical testing. Allele origin: germline.
Comment: Reported previously in a patient with muscle hypertrophy and myotonia with warm-up phenomenon (PMID: 12390967); Published functional studies demonstrate a damaging effect and show that this variant reduces chloride conductance via altered gating and causes a deleterious effect on CLCN1 channel function (PMID: 12390967); In silico analysis supports that this missense variant has a deleterious effect on protein structure/function; Not observed at significant frequency in large population cohorts (gnomAD); This variant is associated with the following publications: (PMID: 30076350, 12390967)

Labcorp Genetics (formerly Invitae), Labcorp
Classification: Likely pathogenic for Congenital myotonia, autosomal recessive form; Congenital myotonia, autosomal dominant form. Last evaluated: 2023-01-31. Review status: criteria provided, single submitter. Criteria: Invitae Variant Classification Sherloc (09022015). Collection method: clinical testing. Allele origin: germline.
Comment: In summary, the currently available evidence indicates that the variant is pathogenic, but additional data are needed to prove that conclusively. Therefore, this variant has been classified as Likely Pathogenic. Experimental studies have shown that this missense change affects CLCN1 function (PMID: 12390967). Advanced modeling of protein sequence and biophysical properties (such as structural, functional, and spatial information, amino acid conservation, physicochemical variation, residue mobility, and thermodynamic stability) has been performed at Invitae for this missense variant, however the output from this modeling did not meet the statistical confidence thresholds required to predict the impact of this variant on CLCN1 protein function. ClinVar contains an entry for this variant (Variation ID: 1347742). This missense change has been observed in individuals with autosomal dominant myotonia congenita (PMID: 12390967; Invitae). This variant is not present in population databases (gnomAD no frequency). This sequence change replaces leucine, which is neutral and non-polar, with phenylalanine, which is neutral and non-polar, at codon 283 of the CLCN1 protein (p.Leu283Phe).

Literature cited by the submitters: PubMed 12390967 (cited by Labcorp Genetics (formerly Invitae), Labcorp).